The following is an entry in ClinVar:

ClinVar aggregate classification (germline): Pathogenic (1 of 4 stars; one submission).

Conditions:
Primary ciliary dyskinesia. Also called: Ciliary dyskinesia. Identifiers: Orphanet 244, MedGen C0008780, MONDO:0016575, HP:0012265.

Submission:

Labcorp Genetics (formerly Invitae), Labcorp
Classification: Pathogenic for Primary ciliary dyskinesia. Last evaluated: 2019-03-18. Review status: criteria provided, single submitter. Criteria: Invitae Variant Classification Sherloc (09022015). Collection method: clinical testing. Allele origin: germline.
Comment: This sequence change creates a premature translational stop signal (p.Ser3770Glyfs*7) in the DNAH5 gene. It is expected to result in an absent or disrupted protein product. This variant is not present in population databases (ExAC no frequency). This variant has not been reported in the literature in individuals with DNAH5-related disease. Loss-of-function variants in DNAH5 are known to be pathogenic (PMID: 11788826, 16627867). For these reasons, this variant has been classified as Pathogenic.

NM_001369.3(DNAH5):c.11308_11315del (p.Ser3770fs)

Genes: DNAH5 (dynein axonemal heavy chain 5; minus strand), LOC107457585 (meiotic recombination hotspot J; plus strand). Cytogenetic location: 5p15.2.
Variant type: Deletion.
Coding change: c.11308_11315del on transcript NM_001369.3 (MANE Select); coding-DNA positions 11308 to 11315, 8 bases deleted (AGTACCCA; older notation c.11308_11315delAGTACCCA).
Protein change: p.Ser3770fs; shifts the reading frame from serine 3770.
Molecular consequence: frameshift variant.
Genome position (GRCh38, 1-based): chr5:13,737,392-13,737,399, TGGGTACT deleted on the plus strand (AGTACCCA on the coding strand, the reverse complement: DNAH5 is on the minus strand); deleting any 8 consecutive bases within chr5:13,737,392-13,737,401 gives the same sequence; the c. name uses the placement nearest the transcript's 3' end. VCF-style (leftmost placement, unchanged base first): chr5-13737391-CTGGGTACT-C. GRCh37 (hg19) VCF-style: chr5-13737500-CTGGGTACT-C.
Other names: c.11308_11315delAGTACCCA (NM_001369.2); short protein forms S3770fs.
Identifiers: ClinVar variation 648009 (VCV000648009.2), dbSNP rs1579980919, ClinGen allele CA915943318.